The following is an entry in ClinVar:

ClinVar aggregate classification (germline): Likely benign (1 of 4 stars; one submission).

Allele frequency attached by ClinVar (database versions not stated): gnomAD exomes 0.00057; ExAC 0.00165; gnomAD 0.00561; 1000 Genomes Project 0.00599; ESP Exome Variant Server 0.00608; TOPMed 0.00615; 1000 Genomes Project 30x 0.00671.
gnomAD v4.1: 1,695 of 1,526,378 alleles (0.11%); highest among the groups gnomAD compares: African/African-American, 2%; 17 homozygotes.

Submission:

GeneDx
Classification: Likely benign. Last evaluated: 2021-05-24. Review status: criteria provided, single submitter. Criteria: GeneDx Variant Classification Process June 2021. Collection method: clinical testing. Allele origin: germline. Affected: yes.
Comment: See Variant Classification Assertion Criteria.

NM_016341.4(PLCE1):c.1956-48C>T

Gene: PLCE1 (phospholipase C epsilon 1; plus strand). Cytogenetic location: 10q23.33.
Variant type: single nucleotide variant.
Coding change: c.1956-48C>T on transcript NM_016341.4 (MANE Select); 48 bases into the intron before coding-DNA position 1956, C replaced by T.
Molecular consequence: intron variant.
Genome position (GRCh38, 1-based): chr10:94,234,006, C>T. VCF-style: chr10-94234006-C-T. GRCh37 (hg19) VCF-style: chr10-95993763-C-T.
Other names: c.1956-48C>T (NM_001288989.2); c.1032-48C>T (NM_001165979.2).
Identifiers: ClinVar variation 1706881 (VCV001706881.2), dbSNP rs141734493, ClinGen allele CA5612531.